The following is an entry in ClinVar:

ClinVar aggregate classification (germline): Conflicting classifications of pathogenicity. Review status: criteria provided, conflicting classifications (1 of 4 stars). 3 submissions from 3 submitters: Uncertain significance (1); Likely benign (2). Last evaluated 2026-01-23.

Conditions:
Brody myopathy. Also called: BRODY DISEASE. Identifiers: Orphanet 53347, MedGen C1832918, MONDO:0010977, OMIM 601003.

Allele frequency attached by ClinVar (database versions not stated): gnomAD exomes 0.00006 and 0.00029; ESP Exome Variant Server 0.00008; gnomAD 0.00009; TOPMed 0.00017; 1000 Genomes Project 0.00020; ExAC 0.00023; 1000 Genomes Project 30x 0.00031.
gnomAD v4.1: 91 of 1,560,810 alleles (0.0058%); highest among the groups gnomAD compares: Admixed American, 0.12%; no homozygotes.

Submissions (3):

Labcorp Genetics (formerly Invitae), Labcorp
Classification: Likely benign for Brody myopathy. Last evaluated: 2026-01-23. Review status: criteria provided, single submitter. Criteria: Invitae Variant Classification Sherloc (09022015). Collection method: clinical testing. Allele origin: germline.

Athena Diagnostics
Classification: Likely benign. Last evaluated: 2025-07-09. Review status: criteria provided, single submitter. Criteria: Athena Diagnostics Criteria. Collection method: clinical testing. Allele origin: unknown.
Comment: The frequency of this variant in the general population is higher than would generally be expected for pathogenic variants in this gene. Computational tools predict this amino acid change may be benign.

Revvity Omics, Revvity
Classification: Uncertain significance for Brody myopathy. Last evaluated: 2021-02-11. Review status: criteria provided, single submitter. Criteria: ACMG Guidelines, 2015. Collection method: clinical testing. Allele origin: germline.

NM_004320.6(ATP2A1):c.1766C>T (p.Thr589Met)

Gene: ATP2A1 (ATPase sarcoplasmic/endoplasmic reticulum Ca2+ transporting 1; plus strand). Cytogenetic location: 16p11.2.
Variant type: single nucleotide variant.
Coding change: c.1766C>T on transcript NM_004320.6 (MANE Select); coding-DNA position 1766, C replaced by T.
Protein change: p.Thr589Met; replaces threonine 589 with methionine.
Molecular consequence: missense variant.
Genome position (GRCh38, 1-based): chr16:28,900,582, C>T. VCF-style: chr16-28900582-C-T. GRCh37 (hg19) VCF-style: chr16-28911903-C-T.
Other names: c.1766C>T (NM_173201.4, NM_004320.4); c.1391C>T, p.Thr464Met (NM_001286075.2); c.1766C>T, p.Thr589Met (NM_173201.5); short protein forms T464M, T589M.
Identifiers: ClinVar variation 704833 (VCV000704833.14), dbSNP rs200285714, ClinGen allele CA7987080.
Genomic context (GRCh38, chr16:28,900,582, plus strand): 5'-CTCCAGGGGAGTTTTCCAGATCCCCACCTGACCTGTGGCTCTCTGCTGTATCTCCCCAGA[C>T]GGACCTGACATTCGTGGGTGTAGTGGGCATGCTGGACCCTCCGCGCAAGGAGGTCACGGG-3'
Protein context (NP_004311.1, residues 579-599): DDSARFLEYE[Thr589Met]DLTFVGVVGM